The following is an entry in ClinVar:

NM_001367624.2(ZNF469):c.8824G>A (p.Gly2942Arg)

Gene: ZNF469 (zinc finger protein 469; plus strand). Cytogenetic location: 16q24.2.
Variant type: single nucleotide variant.
Coding change: c.8824G>A on transcript NM_001367624.2 (MANE Select); coding-DNA position 8824, G replaced by A.
Protein change: p.Gly2942Arg; replaces glycine 2942 with arginine.
Molecular consequence: missense variant.
Genome position (GRCh38, 1-based): chr16:88,436,294, G>A. VCF-style: chr16-88436294-G-A. GRCh37 (hg19) VCF-style: chr16-88502702-G-A.
Other names: NM_001127464.1:c.8740G>A; short protein forms G2942R.
Identifiers: ClinVar variation 1516743 (VCV001516743.4), dbSNP rs372436770, ClinGen allele CA286384654.

ClinVar aggregate classification (germline): Conflicting classifications of pathogenicity. Review status: criteria provided, conflicting classifications (1 of 4 stars). 2 submissions from 2 submitters: Uncertain significance (1); Likely benign (1). Last evaluated 2025-01-10.

Conditions:
Cardiovascular phenotype. Identifiers: MedGen CN230736.

Allele frequency attached by ClinVar (database versions not stated): gnomAD exomes below 0.00001 and 0.00002; gnomAD 0.00001 and 0.00002; TOPMed 0.00002.
gnomAD v4.1: 7 of 1,549,822 alleles (0.00045%); highest among the groups gnomAD compares: East Asian, 0.015%; no homozygotes.

Submissions (2):

Ambry Genetics
Classification: Likely benign for Cardiovascular phenotype. Last evaluated: 2025-01-10. Review status: criteria provided, single submitter. Criteria: Ambry Variant Classification Scheme 2023. Collection method: clinical testing. Allele origin: germline.

Labcorp Genetics (formerly Invitae), Labcorp
Classification: Uncertain significance. Last evaluated: 2022-08-15. Review status: criteria provided, single submitter. Criteria: Invitae Variant Classification Sherloc (09022015). Collection method: clinical testing. Allele origin: germline.
Comment: This sequence change replaces glycine, which is neutral and non-polar, with arginine, which is basic and polar, at codon 2914 of the ZNF469 protein (p.Gly2914Arg). This variant is present in population databases (rs372436770, gnomAD 0.03%). This variant has not been reported in the literature in individuals affected with ZNF469-related conditions. ClinVar contains an entry for this variant (Variation ID: 1516743). Algorithms developed to predict the effect of missense changes on protein structure and function (SIFT, PolyPhen-2, Align-GVGD) all suggest that this variant is likely to be tolerated. Algorithms developed to predict the effect of sequence changes on RNA splicing suggest that this variant may create or strengthen a splice site. In summary, the available evidence is currently insufficient to determine the role of this variant in disease. Therefore, it has been classified as a Variant of Uncertain Significance.